The following is an entry in ClinVar:

ClinVar aggregate classification (germline): Uncertain significance (1 of 4 stars; one submission).

Allele frequency attached by ClinVar (database versions not stated): gnomAD exomes below 0.00001.
gnomAD v4.1: 1 of 1,612,650 alleles (0.000062%); highest among the groups gnomAD compares: Admixed American, 0.0017%; no homozygotes.

Submission:

Labcorp Genetics (formerly Invitae), Labcorp
Classification: Uncertain significance. Last evaluated: 2022-02-17. Review status: criteria provided, single submitter. Criteria: Invitae Variant Classification Sherloc (09022015). Collection method: clinical testing. Allele origin: germline.
Comment: This sequence change replaces proline, which is neutral and non-polar, with leucine, which is neutral and non-polar, at codon 804 of the COL11A2 protein (p.Pro804Leu). This variant is not present in population databases (gnomAD no frequency). This variant has not been reported in the literature in individuals affected with COL11A2-related conditions. Algorithms developed to predict the effect of missense changes on protein structure and function are either unavailable or do not agree on the potential impact of this missense change (SIFT: "Deleterious"; PolyPhen-2: "Probably Damaging"; Align-GVGD: "Class C0"). In summary, the available evidence is currently insufficient to determine the role of this variant in disease. Therefore, it has been classified as a Variant of Uncertain Significance.

NM_080680.3(COL11A2):c.2411C>T (p.Pro804Leu)

Gene: COL11A2 (collagen type XI alpha 2 chain; minus strand). Cytogenetic location: 6p21.32.
Variant type: single nucleotide variant.
Coding change: c.2411C>T on transcript NM_080680.3 (MANE Select); coding-DNA position 2411, C replaced by T.
Protein change: p.Pro804Leu; replaces proline 804 with leucine.
Molecular consequence: missense variant.
Genome position (GRCh38, 1-based): chr6:33,174,546, G>A on the plus strand (C>T on the coding strand, the complement: COL11A2 is on the minus strand). VCF-style: chr6-33174546-G-A. GRCh37 (hg19) VCF-style: chr6-33142323-G-A.
Other names: c.2090C>T, p.Pro697Leu (NM_080679.3); c.2153C>T, p.Pro718Leu (NM_080681.3); short protein forms P804L, P697L, P718L.
Identifiers: ClinVar variation 2190241 (VCV002190241.4), dbSNP rs2534997574, ClinGen allele CA363644211.